The following is an entry in ClinVar:

ClinVar aggregate classification (germline): Benign/Likely benign. Review status: criteria provided, multiple submitters, no conflicts (2 of 4 stars). 4 submissions from 4 submitters: Benign (1); Likely benign (3). Last evaluated 2025-09-27.

Conditions:
Hereditary cancer-predisposing syndrome. Also called: Tumor predisposition; Neoplastic Syndromes, Hereditary; Hereditary neoplastic syndrome; Hereditary Cancer Syndrome. Identifiers: Orphanet 140162, MedGen C0027672, MeSH D009386, MONDO:0015356.
Familial cancer of breast. Also called: Hereditary breast cancer; hereditary breast carcinoma; BREAST CANCER, FAMILIAL. Identifiers: Orphanet 227535, MedGen C0346153, MONDO:0016419, OMIM 114480. Disease mechanism: loss of function.
Ataxia-telangiectasia syndrome (AT). Also called: Ataxia-telangiectasia, complementation group D; AT, COMPLEMENTATION GROUP C; ATAXIA-TELANGIECTASIA, COMPLEMENTATION GROUP A; ATAXIA-TELANGIECTASIA, FRESNO VARIANT; Ataxia-telangiectasia; Ataxia telangiectasia (A-T). Identifiers: Orphanet 100, MedGen C0004135, MONDO:0008840, OMIM 208900.

Allele frequency attached by ClinVar (database versions not stated): gnomAD exomes below 0.00001.
gnomAD v4.1: 2 of 1,613,984 alleles (0.00012%); highest among the groups gnomAD compares: Admixed American, 0.0033%; no homozygotes.

Submissions (4):

Ambry Genetics
Classification: Likely benign for Hereditary cancer-predisposing syndrome. Last evaluated: 2025-09-27. Review status: criteria provided, single submitter. Criteria: Ambry Variant Classification Scheme 2023. Collection method: clinical testing. Allele origin: germline.

Labcorp Genetics (formerly Invitae), Labcorp
Classification: Likely benign for Ataxia-telangiectasia syndrome. Last evaluated: 2024-08-20. Review status: criteria provided, single submitter. Criteria: Invitae Variant Classification Sherloc (09022015). Collection method: clinical testing. Allele origin: germline.

Myriad Genetics, Inc.
Classification: Benign for Familial cancer of breast. Last evaluated: 2024-06-21. Review status: criteria provided, single submitter. Criteria: Myriad Autosomal Dominant, Autosomal Recessive and X-Linked Classification Criteria (2023). Collection method: clinical testing. Allele origin: unknown.
Comment: This variant is considered benign. This variant is a silent/synonymous amino acid change and it is not expected to impact splicing.

Color Diagnostics, LLC DBA Color Health
Classification: Likely benign for Hereditary cancer-predisposing syndrome. Last evaluated: 2019-01-02. Review status: criteria provided, single submitter. Criteria: ACMG Guidelines, 2015. Collection method: clinical testing. Allele origin: germline.

NM_000051.4(ATM):c.8868A>C (p.Pro2956=)

Genes: C11orf65 (chromosome 11 open reading frame 65; minus strand), ATM (ATM serine/threonine kinase; plus strand). Cytogenetic location: 11q22.3.
Variant type: single nucleotide variant.
Coding change: c.8868A>C on transcript NM_000051.4 (MANE Select); coding-DNA position 8868, A replaced by C.
Protein change: p.Pro2956=; no amino-acid change (proline 2956 retained).
Molecular consequence: synonymous variant. On other transcripts: intron variant (2).
Genome position (GRCh38, 1-based): chr11:108,365,099, A>C. VCF-style: chr11-108365099-A-C. GRCh37 (hg19) VCF-style: chr11-108235826-A-C.
Other names: c.8868A>C, p.Pro2956= (NM_001351834.2); c.640+20821T>G (NM_001330368.2); c.694+20821T>G (NM_001351110.2).
Identifiers: ClinVar variation 928343 (VCV000928343.50), dbSNP rs1157772894, ClinGen allele CA476745189.